The following is an entry in ClinVar:

ClinVar aggregate classification (germline): Pathogenic (1 of 4 stars; one submission).

gnomAD v4.1: 1 of 1,613,064 alleles (0.000062%); highest among the groups gnomAD compares: Non-Finnish European, 0.000085%; no homozygotes.

Submission:

Labcorp Genetics (formerly Invitae), Labcorp
Classification: Pathogenic. Last evaluated: 2025-07-30. Review status: criteria provided, single submitter. Criteria: Invitae Variant Classification Sherloc (09022015). Collection method: clinical testing. Allele origin: germline.
Comment: This sequence change creates a premature translational stop signal (p.Gln350*) in the SKIV2L gene. It is expected to result in an absent or disrupted protein product. Loss-of-function variants in SKIV2L are known to be pathogenic (PMID: 22444670). This variant is not present in population databases (gnomAD no frequency). This variant has not been reported in the literature in individuals affected with SKIV2L-related conditions. For these reasons, this variant has been classified as Pathogenic.

Literature cited by the submitters: PubMed 22444670.

NM_006929.5(SKIC2):c.1048C>T (p.Gln350Ter)

Genes: SKIC2 (SKI2 subunit of superkiller complex; plus strand), LOC126859653 (CDK7 strongly-dependent group 2 enhancer GRCh37_chr6:31929542-31930741; plus strand). Cytogenetic location: 6p21.33.
Variant type: single nucleotide variant.
Coding change: c.1048C>T on transcript NM_006929.5 (MANE Select); coding-DNA position 1048, C replaced by T.
Protein change: p.Gln350Ter; replaces glutamine 350 with a stop codon.
Molecular consequence: nonsense.
Genome position (GRCh38, 1-based): chr6:31,962,038, C>T. VCF-style: chr6-31962038-C-T. GRCh37 (hg19) VCF-style: chr6-31929815-C-T.
Other names: short protein forms Q350*.
Identifiers: ClinVar variation 4724499 (VCV004724499.1).
Genomic context (GRCh38, chr6:31,962,038, plus strand): 5'-GTCGCAGCTCACACATCTGCAGGAAAAACAGTTGTGGCTGAATATGCCATTGCCCTGGCC[C>T]AGAAACACATGACACGGTATGAGTTCCTTTGCCAACCTCCCCCTTCACCAGCCAGCCCCA-3'